The following is an entry in ClinVar:

NM_022051.3(EGLN1):c.415G>A (p.Ala139Thr)

Gene: EGLN1 (egl-9 family hypoxia inducible factor 1; minus strand). Cytogenetic location: 1q42.2.
Variant type: single nucleotide variant.
Coding change: c.415G>A on transcript NM_022051.3 (MANE Select); coding-DNA position 415, G replaced by A.
Protein change: p.Ala139Thr; replaces alanine 139 with threonine.
Molecular consequence: missense variant.
Genome position (GRCh38, 1-based): chr1:231,421,474, C>T on the plus strand (G>A on the coding strand, the complement: EGLN1 is on the minus strand). VCF-style: chr1-231421474-C-T. GRCh37 (hg19) VCF-style: chr1-231557220-C-T.
Other names: c.415G>A (NM_022051.2); c.415G>A, p.Ala139Thr (NM_001377260.1, NM_001377261.1); short protein forms A139T.
Identifiers: ClinVar variation 2417103 (VCV002417103.7), dbSNP rs2527360202, ClinGen allele CA345237163.

ClinVar aggregate classification (germline): Uncertain significance. Review status: criteria provided, multiple submitters, no conflicts (2 of 4 stars). 2 submissions from 2 submitters: Uncertain significance (2). Last evaluated 2026-03-11.

Conditions:
Erythrocytosis, familial, 3 (ECYT3). Identifiers: Orphanet 247511, MedGen C1853286, MONDO:0012353, OMIM 609820.

Allele frequency attached by ClinVar (database versions not stated): gnomAD exomes below 0.00001.
gnomAD v4.1: 1 of 1,450,620 alleles (0.000069%); highest among the groups gnomAD compares: Non-Finnish European, 0.000091%; no homozygotes.

Submissions (2):

Ambry Genetics
Classification: Uncertain significance. Last evaluated: 2026-03-11. Review status: criteria provided, single submitter. Criteria: Ambry Variant Classification Scheme 2023. Collection method: clinical testing. Allele origin: germline.
Comment: The p.A139T variant (also known as c.415G>A), located in coding exon 1 of the EGLN1 gene, results from a G to A substitution at nucleotide position 415. The alanine at codon 139 is replaced by threonine, an amino acid with similar properties. This amino acid position is conserved. In addition, this alteration is predicted to be tolerated by in silico analysis. Based on the available evidence, the clinical significance of this variant remains unclear.

Labcorp Genetics (formerly Invitae), Labcorp
Classification: Uncertain significance for Erythrocytosis, familial, 3. Last evaluated: 2022-01-11. Review status: criteria provided, single submitter. Criteria: Invitae Variant Classification Sherloc (09022015). Collection method: clinical testing. Allele origin: germline.
Comment: This sequence change replaces alanine, which is neutral and non-polar, with threonine, which is neutral and polar, at codon 139 of the EGLN1 protein (p.Ala139Thr). In summary, the available evidence is currently insufficient to determine the role of this variant in disease. Therefore, it has been classified as a Variant of Uncertain Significance. Algorithms developed to predict the effect of missense changes on protein structure and function are either unavailable or do not agree on the potential impact of this missense change (SIFT: "Tolerated"; PolyPhen-2: "Possibly Damaging"; Align-GVGD: "Class C0"). This variant has not been reported in the literature in individuals affected with EGLN1-related conditions. This variant is not present in population databases (gnomAD no frequency).